The following is an entry in ClinVar:

NM_015512.5(DNAH1):c.4134G>T (p.Glu1378Asp)

Gene: DNAH1 (dynein axonemal heavy chain 1; plus strand). Cytogenetic location: 3p21.1.
Variant type: single nucleotide variant.
Coding change: c.4134G>T on transcript NM_015512.5 (MANE Select); coding-DNA position 4134, G replaced by T.
Protein change: p.Glu1378Asp; replaces glutamic acid 1378 with aspartic acid.
Molecular consequence: missense variant.
Genome position (GRCh38, 1-based): chr3:52,358,605, G>T. VCF-style: chr3-52358605-G-T. GRCh37 (hg19) VCF-style: chr3-52392621-G-T.
Other names: short protein forms E1378D.
Identifiers: ClinVar variation 949185 (VCV000949185.9), dbSNP rs759023536, ClinGen allele CA2433818.

ClinVar aggregate classification (germline): Uncertain significance. Review status: criteria provided, multiple submitters, no conflicts (2 of 4 stars). 3 submissions from 3 submitters: Uncertain significance (3). Last evaluated 2026-05-21.

Conditions:
Ciliary dyskinesia, primary, 37 (CILD37). Also called: CILIARY DYSKINESIA, PRIMARY, 37, WITH OR WITHOUT SITUS INVERSUS. Identifiers: MedGen C4539798, MONDO:0033204, OMIM 617577.
Spermatogenic failure 18. Identifiers: MedGen C4539783, MONDO:0054615, OMIM 617576.
DNAH1-related disorder. Also called: DNAH1-related condition.

Allele frequency attached by ClinVar (database versions not stated): TOPMed 0.00002.
gnomAD v4.1: 26 of 1,612,994 alleles (0.0016%); highest among the groups gnomAD compares: African/African-American, 0.004%; no homozygotes.

Submissions (3):

PreventionGenetics, part of Exact Sciences
Classification: Uncertain significance for DNAH1-related condition. Last evaluated: 2026-05-21. Review status: criteria provided, single submitter. Criteria: ACMG Guidelines, 2015. Collection method: clinical testing. Allele origin: germline.
Comment: The DNAH1 c.4134G>T variant is predicted to result in the amino acid substitution p.Glu1378Asp. To our knowledge, this variant has not been reported in the literature. This variant is reported in 0.0083% of alleles in individuals of African descent in gnomAD. At this time, the clinical significance of this variant is uncertain due to the absence of conclusive functional and genetic evidence.

GeneDx
Classification: Uncertain significance. Last evaluated: 2024-11-12. Review status: criteria provided, single submitter. Criteria: GeneDx Variant Classification Process June 2021. Collection method: clinical testing. Allele origin: germline. Affected: yes.
Comment: In silico analysis indicates that this missense variant does not alter protein structure/function; Has not been previously published as pathogenic or benign to our knowledge

Labcorp Genetics (formerly Invitae), Labcorp
Classification: Uncertain significance for Ciliary dyskinesia, primary, 37; Spermatogenic failure 18. Last evaluated: 2022-05-04. Review status: criteria provided, single submitter. Criteria: Invitae Variant Classification Sherloc (09022015). Collection method: clinical testing. Allele origin: germline.
Comment: This variant is present in population databases (rs759023536, gnomAD 0.008%). In summary, the available evidence is currently insufficient to determine the role of this variant in disease. Therefore, it has been classified as a Variant of Uncertain Significance. Algorithms developed to predict the effect of missense changes on protein structure and function (SIFT, PolyPhen-2, Align-GVGD) all suggest that this variant is likely to be disruptive. ClinVar contains an entry for this variant (Variation ID: 949185). This variant has not been reported in the literature in individuals affected with DNAH1-related conditions. This sequence change replaces glutamic acid, which is acidic and polar, with aspartic acid, which is acidic and polar, at codon 1378 of the DNAH1 protein (p.Glu1378Asp).